The following is an entry in ClinVar:

ClinVar aggregate classification (germline): Benign. Review status: criteria provided, multiple submitters, no conflicts (2 of 4 stars). 2 submissions from 2 submitters: Benign (2). Last evaluated 2026-02-04.

Allele frequency attached by ClinVar (database versions not stated): TOPMed 0.81387; gnomAD 0.82689; ExAC 0.84590; 1000 Genomes Project 30x 0.81949; gnomAD exomes 0.86824; 1000 Genomes Project 0.81969; ESP Exome Variant Server 0.82969.
gnomAD v4.1: 1,393,898 of 1,613,084 alleles (86%); highest among the groups gnomAD compares: South Asian, 91%; 603,912 homozygotes.

Submissions (2):

Labcorp Genetics (formerly Invitae), Labcorp
Classification: Benign. Last evaluated: 2026-02-04. Review status: criteria provided, single submitter. Criteria: Invitae Variant Classification Sherloc (09022015). Collection method: clinical testing. Allele origin: germline.

Unidad de Genómica Garrahan, Hospital de Pediatría Garrahan
Classification: Benign. Last evaluated: 2024-01-24. Review status: criteria provided, single submitter. Criteria: ACMG Guidelines, 2015. Collection method: clinical testing. Allele origin: germline. Affected: no. Observed: 91 variant alleles.
Comment: This variant is classified as Benign based on local population frequency. This variant was detected in 96% of patients studied by a panel of primary immunodeficiencies. Number of patients: 91. Only high quality variants are reported.

NM_006466.4(POLR3F):c.840A>G (p.Thr280=)

Gene: POLR3F (RNA polymerase III subunit F; plus strand). Cytogenetic location: 20p11.23.
Variant type: single nucleotide variant.
Coding change: c.840A>G on transcript NM_006466.4 (MANE Select); coding-DNA position 840, A replaced by G.
Protein change: p.Thr280=; no amino-acid change (threonine 280 retained).
Molecular consequence: synonymous variant. On other transcripts: non-coding transcript variant (1).
Genome position (GRCh38, 1-based): chr20:18,481,777, A>G. VCF-style: chr20-18481777-A-G. GRCh37 (hg19) VCF-style: chr20-18462421-A-G.
Other names: c.717A>G, p.Thr239= (NM_001282526.2); c.696A>G, p.Thr232= (NM_001410821.1).
Identifiers: ClinVar variation 1995826 (VCV001995826.6), dbSNP rs1055171, ClinGen allele CA9777615.
Genomic context (GRCh38, chr20:18,481,777, plus strand): 5'-TGGCAGTGTAGATGGACACATGAAACTGTACAGGGCAGTCAATCCAATCATCCCTCCCAC[A>G]GGTTTGGTCCGGGCACCCTGTGGACTCTGCCCGGTGAGTTAAAGTGGCTTCACTTTACAC-3'
Protein context (NP_006457.2, residues 270-290): YRAVNPIIPP[Thr280=]GLVRAPCGLC